The following is an entry in ClinVar:

NM_022051.3(EGLN1):c.807T>C (p.Ile269=)

Genes: EGLN1 (egl-9 family hypoxia inducible factor 1; minus strand), LOC129932769 (ATAC-STARR-seq lymphoblastoid active region 2730; plus strand). Cytogenetic location: 1q42.2.
Variant type: single nucleotide variant.
Coding change: c.807T>C on transcript NM_022051.3 (MANE Select); coding-DNA position 807, T replaced by C.
Protein change: p.Ile269=; no amino-acid change (isoleucine 269 retained).
Molecular consequence: synonymous variant.
Genome position (GRCh38, 1-based): chr1:231,421,082, A>G on the plus strand (T>C on the coding strand, the complement: EGLN1 is on the minus strand). VCF-style: chr1-231421082-A-G. GRCh37 (hg19) VCF-style: chr1-231556828-A-G.
Other names: c.807T>C, p.Ile269= (NM_001377260.1, NM_001377261.1).
Identifiers: ClinVar variation 1761911 (VCV001761911.26), dbSNP rs776556262, ClinGen allele CA1453105.

ClinVar aggregate classification (germline): Likely benign. Review status: criteria provided, multiple submitters, no conflicts (2 of 4 stars). 2 submissions from 2 submitters: Likely benign (2). Last evaluated 2022-03-09.

Allele frequency attached by ClinVar (database versions not stated): gnomAD 0.00001; gnomAD exomes 0.00001; ExAC 0.00002.
gnomAD v4.1: 22 of 1,613,958 alleles (0.0014%); highest among the groups gnomAD compares: Non-Finnish European, 0.0017%; no homozygotes.

Submissions (2):

Ambry Genetics
Classification: Likely benign. Last evaluated: 2022-03-09. Review status: criteria provided, single submitter. Criteria: Ambry Variant Classification Scheme 2023. Collection method: clinical testing. Allele origin: germline.

CeGaT Center for Human Genetics Tuebingen
Classification: Likely benign. Last evaluated: 2022-03-01. Review status: criteria provided, single submitter. Criteria: CeGaT Center For Human Genetics Tuebingen Variant Classification Criteria Version 2. Collection method: clinical testing. Allele origin: germline. Affected: yes. Observed: 1 variant allele.
Comment: EGLN1: BP4, BP7